The following is an entry in ClinVar:

ClinVar aggregate classification (germline): Uncertain significance (1 of 4 stars; one submission).

gnomAD v4.1: 10 of 1,614,200 alleles (0.00062%); highest among the groups gnomAD compares: Non-Finnish European, 0.00085%; no homozygotes.

Submission:

Labcorp Genetics (formerly Invitae), Labcorp
Classification: Uncertain significance. Last evaluated: 2024-03-18. Review status: criteria provided, single submitter. Criteria: Invitae Variant Classification Sherloc (09022015). Collection method: clinical testing. Allele origin: germline.
Comment: This sequence change replaces glutamine, which is neutral and polar, with arginine, which is basic and polar, at codon 67 of the GATAD2B protein (p.Gln67Arg). This variant is not present in population databases (gnomAD no frequency). This variant has not been reported in the literature in individuals affected with GATAD2B-related conditions. An algorithm developed to predict the effect of missense changes on protein structure and function (PolyPhen-2) suggests that this variant is likely to be tolerated. In summary, the available evidence is currently insufficient to determine the role of this variant in disease. Therefore, it has been classified as a Variant of Uncertain Significance.

NM_020699.4(GATAD2B):c.200A>G (p.Gln67Arg)

Gene: GATAD2B (GATA zinc finger domain containing 2B; minus strand). Cytogenetic location: 1q21.3.
Variant type: single nucleotide variant.
Coding change: c.200A>G on transcript NM_020699.4 (MANE Select); coding-DNA position 200, A replaced by G.
Protein change: p.Gln67Arg; replaces glutamine 67 with arginine.
Molecular consequence: missense variant.
Genome position (GRCh38, 1-based): chr1:153,828,148, T>C on the plus strand (A>G on the coding strand, the complement: GATAD2B is on the minus strand). VCF-style: chr1-153828148-T-C. GRCh37 (hg19) VCF-style: chr1-153800624-T-C.
Other names: short protein forms Q67R.
Identifiers: ClinVar variation 3628937 (VCV003628937.2).